The following is an entry in ClinVar:

ClinVar aggregate classification (germline): Conflicting classifications of pathogenicity. Review status: criteria provided, conflicting classifications (1 of 4 stars). 2 submissions from 2 submitters: Uncertain significance (1); Likely benign (1). Last evaluated 2023-10-03.

Conditions:
Inborn genetic diseases. Identifiers: MedGen C0950123, MeSH D030342.
Congenital myasthenic syndrome 18. Also called: MYASTHENIC SYNDROME, CONGENITAL, 18, WITH INTELLECTUAL DISABILITY AND ATAXIA. Identifiers: Orphanet 590, MedGen C4225364, MONDO:0014590, OMIM 616330.

Allele frequency attached by ClinVar (database versions not stated): TOPMed below 0.00001; gnomAD 0.00001; 1000 Genomes Project 30x 0.00016; 1000 Genomes Project 0.00020.
gnomAD v4.1: 3 of 1,613,632 alleles (0.00019%); highest among the groups gnomAD compares: African/African-American, 0.0013%; no homozygotes.

Submissions (2):

Labcorp Genetics (formerly Invitae), Labcorp
Classification: Likely benign for Congenital myasthenic syndrome 18. Last evaluated: 2023-10-03. Review status: criteria provided, single submitter. Criteria: Invitae Variant Classification Sherloc (09022015). Collection method: clinical testing. Allele origin: germline.

Ambry Genetics
Classification: Uncertain significance for Inborn genetic diseases. Last evaluated: 2020-01-15. Review status: criteria provided, single submitter. Criteria: Ambry Variant Classification Scheme 2023. Collection method: clinical testing. Allele origin: germline.
Comment: The p.R30H variant (also known as c.89G>A), located in coding exon 2 of the SNAP25 gene, results from a G to A substitution at nucleotide position 89. The arginine at codon 30 is replaced by histidine, an amino acid with highly similar properties. This amino acid position is highly conserved in available vertebrate species. In addition, this alteration is predicted to be deleterious by in silico analysis. Since supporting evidence is limited at this time, the clinical significance of this alteration remains unclear.

NM_130811.4(SNAP25):c.89G>A (p.Arg30His)

Gene: SNAP25 (synaptosome associated protein 25; plus strand). Cytogenetic location: 20p12.2.
Variant type: single nucleotide variant.
Coding change: c.89G>A on transcript NM_130811.4 (MANE Select); coding-DNA position 89, G replaced by A.
Protein change: p.Arg30His; replaces arginine 30 with histidine.
Molecular consequence: missense variant.
Genome position (GRCh38, 1-based): chr20:10,277,701, G>A. VCF-style: chr20-10277701-G-A. GRCh37 (hg19) VCF-style: chr20-10258349-G-A.
Other names: c.89G>A, p.Arg30His (NM_001322902.2, NM_001322903.2, NM_001322904.2 and 7 more transcripts); short protein forms R30H.
Identifiers: ClinVar variation 1025754 (VCV001025754.11), dbSNP rs577791521, ClinGen allele CA311798859.
Genomic context (GRCh38, chr20:10,277,701, plus strand): 5'-CCTGCACTCATAAAGTTTATGTTTGTTTGTTTTTTAAATCTTAGTCGCTGGAAAGCACCC[G>A]TCGTATGCTGCAACTGGTTGAAGAGGTAAGAAGTGACAGTATTTTAAGATAAAGGAACAA-3'
Protein context (NP_570824.1, residues 20-40): QLADESLEST[Arg30His]RMLQLVEESK